The following is an entry in ClinVar:

ClinVar aggregate classification (germline): Uncertain significance (1 of 4 stars; one submission).

Conditions:
Arrhythmogenic right ventricular dysplasia 8 (ARVD8). Also called: Arrhythmogenic Right Ventricular Dysplasia/Cardiomyopathy 8; ARRHYTHMOGENIC RIGHT VENTRICULAR DYSPLASIA, FAMILIAL, 8; ARRHYTHMOGENIC RIGHT VENTRICULAR CARDIOMYOPATHY 8. Identifiers: MedGen C1843896, MONDO:0011831, OMIM 607450.
Arrhythmogenic cardiomyopathy with wooly hair and keratoderma. Also called: Dilated cardiomyopathy with woolly hair and keratoderma; Carvajal syndrome; Arrhythmogenic cardiomyopathy with woolly hair and keratoderma; PALMOPLANTAR KERATODERMA WITH LEFT VENTRICULAR CARDIOMYOPATHY AND WOOLLY HAIR. Identifiers: Orphanet 65282, MedGen C1854063, MONDO:0011581, OMIM 605676.

gnomAD v4.1: 3 of 1,614,106 alleles (0.00019%); highest among the groups gnomAD compares: Non-Finnish European, 0.00025%; no homozygotes.

Submission:

Labcorp Genetics (formerly Invitae), Labcorp
Classification: Uncertain significance for Arrhythmogenic cardiomyopathy with wooly hair and keratoderma; Arrhythmogenic right ventricular dysplasia 8. Last evaluated: 2026-01-05. Review status: criteria provided, single submitter. Criteria: Invitae Variant Classification Sherloc (09022015). Collection method: clinical testing. Allele origin: germline.
Comment: This sequence change replaces serine, which is neutral and polar, with alanine, which is neutral and non-polar, at codon 716 of the DSP protein (p.Ser716Ala). This variant is not present in population databases (gnomAD no frequency). This variant has not been reported in the literature in individuals affected with DSP-related conditions. ClinVar contains an entry for this variant (Variation ID: 1523632). An algorithm developed to predict the effect of missense changes on protein structure and function outputs the following: PolyPhen-2: "Benign". The alanine amino acid residue is found in multiple mammalian species, which suggests that this missense change does not adversely affect protein function. In summary, the available evidence is currently insufficient to determine the role of this variant in disease. Therefore, it has been classified as a Variant of Uncertain Significance.

NM_004415.4(DSP):c.2146T>G (p.Ser716Ala)

Gene: DSP (desmoplakin; plus strand). Cytogenetic location: 6p24.3.
Variant type: single nucleotide variant.
Coding change: c.2146T>G on transcript NM_004415.4 (MANE Select); coding-DNA position 2146, T replaced by G.
Protein change: p.Ser716Ala; replaces serine 716 with alanine.
Molecular consequence: missense variant.
Genome position (GRCh38, 1-based): chr6:7,574,101, T>G. VCF-style: chr6-7574101-T-G. GRCh37 (hg19) VCF-style: chr6-7574334-T-G.
Other names: c.2146T>G, p.Ser716Ala (NM_001008844.3, NM_001319034.2); short protein forms S716A.
Identifiers: ClinVar variation 1523632 (VCV001523632.6), dbSNP rs1759149630, ClinGen allele CA362680671.
Genomic context (GRCh38, chr6:7,574,101, plus strand): 5'-AAAAGAATCAGCTAAATCAAAAGAGCTTTCCTTCATTTTTGACAGAGTGTGCAGAATGAT[T>G]CACAAGCAATTGCTGAGGTTCTCAACCAGCTTAAAGATATGCTTGCCAACTTCAGAGGTT-3'
Protein context (NP_004406.2, residues 706-726): INELKSVQND[Ser716Ala]QAIAEVLNQL